The following is an entry in ClinVar:

ClinVar aggregate classification (germline): Likely benign. Review status: criteria provided, single submitter (1 of 4 stars). 2 submissions from 2 submitters: Likely benign (1). 1 of the submissions does not count toward it. Last evaluated 2025-11-01.

Conditions:
RFT1-congenital disorder of glycosylation (CDG1N). Also called: RFT1-CDG; Congenital disorder of glycosylation type In; CDG In. Identifiers: Orphanet 244310, MedGen C2677590, MONDO:0012783, OMIM 612015.
RFT1-related disorder. Also called: RFT1-related condition.

Allele frequency attached by ClinVar (database versions not stated): gnomAD 0.00002 and 0.00003; ExAC 0.00003; TOPMed 0.00003.
gnomAD v4.1: 132 of 1,604,242 alleles (0.0082%); highest among the groups gnomAD compares: Non-Finnish European, 0.01%; no homozygotes.

Submissions (2):

Labcorp Genetics (formerly Invitae), Labcorp
Classification: Likely benign for RFT1-congenital disorder of glycosylation. Last evaluated: 2025-11-01. Review status: criteria provided, single submitter. Criteria: Invitae Variant Classification Sherloc (09022015). Collection method: clinical testing. Allele origin: germline.

PreventionGenetics, part of Exact Sciences
Classification: Likely benign for RFT1-related condition. Last evaluated: 2019-07-12. Review status: no assertion criteria provided. Collection method: clinical testing. Allele origin: germline. Not counted in ClinVar's aggregate classification.
Comment: This variant is classified as likely benign based on ACMG/AMP sequence variant interpretation guidelines (Richards et al. 2015 PMID: 25741868, with internal and published modifications).

NM_052859.4(RFT1):c.558+10A>T

Gene: RFT1 (RFT1 glycolipid translocator homolog; minus strand). Cytogenetic location: 3p21.1.
Variant type: single nucleotide variant.
Coding change: c.558+10A>T on transcript NM_052859.4 (MANE Select); 10 bases into the intron after coding-DNA position 558, A replaced by T.
Molecular consequence: intron variant.
Genome position (GRCh38, 1-based): chr3:53,121,689, T>A on the plus strand (A>T on the coding strand, the complement: RFT1 is on the minus strand). VCF-style: chr3-53121689-T-A. GRCh37 (hg19) VCF-style: chr3-53155705-T-A.
Other names: c.558+10A>T (NM_052859.3).
Identifiers: ClinVar variation 1544494 (VCV001544494.10), dbSNP rs780500145, ClinGen allele CA2451424.